The following is an entry in ClinVar:

NM_016277.5(RAB23):c.*984G>A

Genes: BAG2 (BAG cochaperone 2; plus strand), RAB23 (RAB23, member RAS oncogene family; minus strand). Cytogenetic location: 6p12.1.
Variant type: single nucleotide variant.
Coding change: c.*984G>A on transcript NM_016277.5 (MANE Select); 984 bases downstream of the stop codon, G replaced by A.
Molecular consequence: 3 prime UTR variant. On other transcripts: non-coding transcript variant (1).
Genome position (GRCh38, 1-based): chr6:57,189,477, C>T on the plus strand (G>A on the coding strand, the complement: RAB23 is on the minus strand). VCF-style: chr6-57189477-C-T. GRCh37 (hg19) VCF-style: chr6-57054275-C-T.
Other names: c.*984G>A (NM_001278666.2, NM_001278667.2, NM_001278668.2 and 1 more transcripts); c.*5287C>T (NM_004282.4).
Identifiers: ClinVar variation 357629 (VCV000357629.5), dbSNP rs148372304, ClinGen allele CA10622544.

ClinVar aggregate classification (germline): Likely benign (1 of 4 stars; one submission).

Conditions:
RAB23-related Carpenter syndrome. Also called: ACPS II; Carpenter syndrome 1. Identifiers: Orphanet 65759, MedGen C4551510, MONDO:0008710, OMIM 201000.

Allele frequency attached by ClinVar (database versions not stated): 1000 Genomes Project 30x 0.00078; gnomAD 0.00034 and 0.00040; TOPMed 0.00044; 1000 Genomes Project 0.00080.

Submission:

Illumina Laboratory Services, Illumina
Classification: Likely benign for RAB23-related Carpenter syndrome. Last evaluated: 2018-01-12. Review status: criteria provided, single submitter. Criteria: ICSL Variant Classification Criteria 13 December 2019. Collection method: clinical testing. Allele origin: germline.
Comment: This variant was observed in the ICSL laboratory as part of a predisposition screen in an ostensibly healthy population. It had not been previously curated by ICSL or reported in the Human Gene Mutation Database (HGMD: prior to June 1st, 2018), and was therefore a candidate for classification through an automated scoring system. Utilizing variant allele frequency, disease prevalence and penetrance estimates, and inheritance mode, an automated score was calculated to assess if this variant is too frequent to cause the disease. Based on the score and internal cut-off values, a variant classified as likely benign is not then subjected to further curation. The score for this variant resulted in a classification of likely benign for this disease.